The following is an entry in ClinVar:

NM_001437.3(ESR2):c.536-7G>T

Gene: ESR2 (estrogen receptor 2; minus strand). Cytogenetic location: 14q23.2.
Variant type: single nucleotide variant.
Coding change: c.536-7G>T on transcript NM_001437.3 (MANE Select); 7 bases into the intron before coding-DNA position 536, G replaced by T.
Molecular consequence: intron variant.
Genome position (GRCh38, 1-based): chr14:64,268,918, C>A on the plus strand (G>T on the coding strand, the complement: ESR2 is on the minus strand). VCF-style: chr14-64268918-C-A. GRCh37 (hg19) VCF-style: chr14-64735636-C-A.
Other names: c.536-7G>T (NM_001291712.2, NM_001291723.1, NM_001040275.1 and 3 more transcripts).
Identifiers: ClinVar variation 3032230 (VCV003032230.2), dbSNP rs2550414301, ClinGen allele CA2625221523.

ClinVar aggregate classification (germline): Likely benign (0 of 4 stars; one submission).

Conditions:
ESR2-related disorder. Also called: ESR2-related condition.

Submission:

PreventionGenetics, part of Exact Sciences
Classification: Likely benign for ESR2-related condition. Last evaluated: 2023-06-08. Review status: no assertion criteria provided. Collection method: clinical testing. Allele origin: germline.
Comment: This variant is classified as likely benign based on ACMG/AMP sequence variant interpretation guidelines (Richards et al. 2015 PMID: 25741868, with internal and published modifications).